The following is an entry in ClinVar:

ClinVar aggregate classification (germline): Likely pathogenic (1 of 4 stars; one submission).

Conditions:
Fabry disease. Also called: ALPHA-GALACTOSIDASE A DEFICIENCY; ANDERSON-FABRY DISEASE; CERAMIDE TRIHEXOSIDASE DEFICIENCY; GLA DEFICIENCY; HEREDITARY DYSTOPIC LIPIDOSIS; Angiokeratoma corporis diffusum. Identifiers: Orphanet 324, MedGen C0002986, MONDO:0010526, OMIM 301500, HP:0001071. Disease mechanism: Fabry disease is due to inactivating mutations in the X-linked GLA gene resulting in deficiency of the enzyme Alpha Galactosidase-A., loss of function.

Submission:

Genomenon, Inc
Classification: Likely pathogenic for Fabry disease. Last evaluated: 2026-09-08. Review status: criteria provided, single submitter. Criteria: Genomenon Sequence Variant Interpretation Standards - Updated. Collection method: curation. Allele origin: germline. Affected: yes.
Comment: GLA p.Asn298Asp (c.892A>G) is a missense variant that changes the amino acid at codon 298 from Asparagine to Aspartic acid. This variant has been observed in at least one proband with clinical features consistent with Fabry disease (PMID:39609713). Functional or patient cell studies have been reported (PMID:39609713). The presence of pathogenic/likely pathogenic missense variant(s) at the same amino acid position indicates that this residue is likely important for protein function. It is absent or not present at a significant frequency in gnomAD. In silico models predict that this variant is possibly or probably damaging. In conclusion, we classify GLA p.Asn298Asp (c.892A>G) as a likely pathogenic variant.

Literature cited by the submitters: PubMed 39609713.

NM_000169.3(GLA):c.892A>G (p.Asn298Asp)

Genes: GLA (galactosidase alpha; minus strand), RPL36A-HNRNPH2 (RPL36A-HNRNPH2 readthrough; plus strand). Cytogenetic location: Xq22.1.
Variant type: single nucleotide variant.
Coding change: c.892A>G on transcript NM_000169.3 (MANE Select); coding-DNA position 892, A replaced by G.
Protein change: p.Asn298Asp; replaces asparagine 298 with aspartic acid.
Molecular consequence: missense variant. On other transcripts: non-coding transcript variant (3), intron variant (2).
Genome position (GRCh38, 1-based): chrX:101,398,477, T>C on the plus strand (A>G on the coding strand, the complement: GLA is on the minus strand). VCF-style: chrX-101398477-T-C. GRCh37 (hg19) VCF-style: chrX-100653465-T-C.
Other names: c.1015A>G, p.Asn339Asp (NM_001406747.1); c.892A>G, p.Asn298Asp (NM_001406748.1); c.300+3020T>C (NM_001199973.2); c.177+6655T>C (NM_001199974.2); short protein forms N298D, N339D.
Identifiers: ClinVar variation 4087566 (VCV004087566.2).